The following is an entry in ClinVar:

NM_001009944.3(PKD1):c.10368C>T (p.Ala3456=)

Gene: PKD1 (polycystin 1, transient receptor potential channel interacting; minus strand). Cytogenetic location: 16p13.3.
Variant type: single nucleotide variant.
Coding change: c.10368C>T on transcript NM_001009944.3 (MANE Select); coding-DNA position 10368, C replaced by T.
Protein change: p.Ala3456=; no amino-acid change (alanine 3456 retained).
Molecular consequence: synonymous variant.
Genome position (GRCh38, 1-based): chr16:2,097,356, G>A on the plus strand (C>T on the coding strand, the complement: PKD1 is on the minus strand). VCF-style: chr16-2097356-G-A. GRCh37 (hg19) VCF-style: chr16-2147357-G-A.
Other names: p.Ala3456=; c.10365C>T, p.Ala3455= (NM_000296.4).
Identifiers: ClinVar variation 256889 (VCV000256889.18), dbSNP rs7194935, ClinGen allele CA7829639.

ClinVar aggregate classification (germline): Benign/Likely benign. Review status: criteria provided, multiple submitters, no conflicts (2 of 4 stars). 8 submissions from 8 submitters: Benign (6); Likely benign (1). 1 of the submissions does not count toward it. Last evaluated 2025-04-25.

Conditions:
Polycystic kidney disease, adult type (PKD1). Also called: Polycystic Kidney Disease 1, Autosomal Dominant; Polycystic kidney disease 1; Polycystic kidney disease 1, severe; POLYCYSTIC KIDNEY DISEASE 1 WITH OR WITHOUT POLYCYSTIC LIVER DISEASE; Polycystic Kidney, Autosomal Dominant; POLYCYSTIC KIDNEY DISEASE, ADULT, TYPE I. Identifiers: MedGen C3149841, MONDO:0008263, OMIM 173900.
Polycystic kidney disease. Also called: Polycystic kidney dysplasia; Kidney, Polycystic. Identifiers: MedGen C0022680, MeSH D007690, MONDO:0020642, HP:0000113.

Allele frequency attached by ClinVar (database versions not stated): gnomAD exomes 0.00770; ExAC 0.00903; gnomAD 0.02958 and 0.03183; 1000 Genomes Project 0.03035; TOPMed 0.03276; ESP Exome Variant Server 0.03296; 1000 Genomes Project 30x 0.03310.

Submissions (8):

Women's Health and Genetics/Laboratory Corporation of America, LabCorp
Classification: Benign. Last evaluated: 2025-04-25. Review status: criteria provided, single submitter. Criteria: LabCorp Variant Classification Summary - May 2015. Collection method: clinical testing. Allele origin: germline.

Blueprint Genetics
Classification: Likely benign. Last evaluated: 2024-11-25. Review status: criteria provided, single submitter. Criteria: ACMG Guidelines, 2015. Collection method: clinical testing. Allele origin: germline.

Mayo Clinic Laboratories, Mayo Clinic
Classification: Benign. Last evaluated: 2022-04-26. Review status: criteria provided, single submitter. Criteria: ACMG Guidelines, 2015. Collection method: clinical testing. Allele origin: germline. Observed: 27 variant alleles.

ARUP Laboratories, Molecular Genetics and Genomics, ARUP Laboratories
Classification: Benign for Polycystic kidney disease, adult type. Last evaluated: 2020-01-28. Review status: criteria provided, single submitter. Criteria: ARUP Molecular Germline Variant Investigation Process. Collection method: clinical testing. Allele origin: germline.

GeneDx
Classification: Benign. Last evaluated: 2020-01-28. Review status: criteria provided, single submitter. Criteria: GeneDx Variant Classification Process June 2021. Collection method: clinical testing. Allele origin: germline. Affected: yes.
Comment: This variant is associated with the following publications: (PMID: 22008521)

Breakthrough Genomics
Classification: Benign. Review status: criteria provided, single submitter. Criteria: ACMG Guidelines, 2015. Collection method: not provided. Allele origin: germline. Inheritance: Autosomal dominant inheritance. Affected: yes.

PreventionGenetics, part of Exact Sciences
Classification: Benign. Review status: criteria provided, single submitter. Criteria: ACMG Guidelines, 2015. Collection method: clinical testing. Allele origin: germline.

Department of Pathology and Laboratory Medicine, Sinai Health System
Classification: Benign for Polycystic Kidney disease. Review status: no assertion criteria provided. Collection method: clinical testing. Allele origin: unknown. Affected: yes. Study: The Canadian Open Genetics Repository (COGR). Not counted in ClinVar's aggregate classification.
Comment: The PKD1 p.Ala3456Ala variant was identified in 4 of 534 proband chromosomes (frequency: 0.007) from individuals or families with ADPKD or renal disease, and was not identified in 100 control chromosomes from healthy individuals (Bataille 2011, Rossetti 2012). These studies have both identified the variant as a polymorphism. The p.Ala3456Ala variant was identified in the dbSNP (ID: rs7194935) with â€šÃ„ÃºWith Benign alleleâ€šÃ„Ã¹ with a minor allele frequency of 0.03 (152 of 5000 chromosomes in 1000 Genome Project). In the NHLBI Exome Sequencing Project (Exome Variant Server), the variant was identified in 5 of 8594 alleles (frequency: 0.0005) in the European Americans and 423 of 4392 alleles in African Americans (Frequency: 0.1). The variant was identified in the Exome Aggregation Consortium database (August 08, 2016) in 1034 of 114508 chromosomes (frequency: 0.009 with 45 homozygotes) in the following populations: African in 933of 9530 chromosomes (frequency: 0.1), Latino in 53 of 11138 chromosomes (frequency: 0.005), European (Non-Finnish) in 40 of 62920 chromosomes (frequency: 0.0006), South Asian in 3 of 16084 chromosomes (frequency: 0.0002) and Other in 5 of 820 chromosomes (frequency 0.006) but was not seen in East Asian and Finnish populations, increasing the likelihood this could be a low frequency benign variant. The p.Ala3456Ala variant is not expected to have clinical significance because it does not result in a change of amino acid. The variant occurs outside of the splicing consensus sequence and in silico or computational prediction software programs (SpliceSiteFinder, MaxEntScan, NNSPLICE, GeneSplicer, HumanSpliceFinder) do not predict a difference in splicing. In summary, based on the above information, this variant meets our laboratory criteria to be classified as benign.